The following is an entry in ClinVar:

ClinVar aggregate classification (germline): Uncertain significance (1 of 4 stars; one submission).

Submission:

Labcorp Genetics (formerly Invitae), Labcorp
Classification: Uncertain significance. Last evaluated: 2025-10-23. Review status: criteria provided, single submitter. Criteria: Invitae Variant Classification Sherloc (09022015). Collection method: clinical testing. Allele origin: germline.
Comment: This sequence change replaces tyrosine, which is neutral and polar, with cysteine, which is neutral and slightly polar, at codon 414 of the FAM111A protein (p.Tyr414Cys). This variant is present in population databases (rs201762811, gnomAD 0.003%). This missense change has been observed in individual(s) with autosomal recessive Kenny-Caffey syndrome (PMID: 39932783). It has also been observed to segregate with disease in related individuals. ClinVar contains an entry for this variant (Variation ID: 2905587). Invitae Evidence Modeling of protein sequence and biophysical properties (such as structural, functional, and spatial information, amino acid conservation, physicochemical variation, residue mobility, and thermodynamic stability) indicates that this missense variant is expected to disrupt FAM111A protein function with a positive predictive value of 80%. Experimental studies have shown that this missense change affects FAM111A function (PMID: 39932783). In summary, the available evidence is currently insufficient to determine the role of this variant in disease. Therefore, it has been classified as a Variant of Uncertain Significance.

Literature cited by the submitters: PubMed 39932783.

NM_001312909.2(FAM111A):c.1241A>G (p.Tyr414Cys)

Gene: FAM111A (FAM111 trypsin like peptidase A; plus strand). Cytogenetic location: 11q12.1.
Variant type: single nucleotide variant.
Coding change: c.1241A>G on transcript NM_001312909.2 (MANE Select); coding-DNA position 1241, A replaced by G.
Protein change: p.Tyr414Cys; replaces tyrosine 414 with cysteine.
Molecular consequence: missense variant.
Genome position (GRCh38, 1-based): chr11:59,152,909, A>G. VCF-style: chr11-59152909-A-G. GRCh37 (hg19) VCF-style: chr11-58920382-A-G.
Other names: c.1241A>G, p.Tyr414Cys (NM_001142519.3, NM_001142520.3, NM_001142521.3 and 29 more transcripts); short protein forms Y414C.
Identifiers: ClinVar variation 2905587 (VCV002905587.3), dbSNP rs201762811, ClinGen allele CA6016733.